The following is an entry in ClinVar:

ClinVar aggregate classification (germline): Uncertain significance (1 of 4 stars; one submission).

Conditions:
Cohen syndrome (COH1). Also called: Cutis verticis gyrata, retinitis pigmentosa, and sensorineural deafness; PEPPER SYNDROME. Identifiers: Orphanet 193, MedGen C0265223, MONDO:0008999, OMIM 216550.

Submission:

Labcorp Genetics (formerly Invitae), Labcorp
Classification: Uncertain significance for Cohen syndrome. Last evaluated: 2024-08-28. Review status: criteria provided, single submitter. Criteria: Invitae Variant Classification Sherloc (09022015). Collection method: clinical testing. Allele origin: germline.
Comment: This sequence change replaces glutamic acid, which is acidic and polar, with lysine, which is basic and polar, at codon 2314 of the VPS13B protein (p.Glu2314Lys). This variant also falls at the last nucleotide of exon 38, which is part of the consensus splice site for this exon. This variant is not present in population databases (gnomAD no frequency). This variant has not been reported in the literature in individuals affected with VPS13B-related conditions. An algorithm developed to predict the effect of missense changes on protein structure and function (PolyPhen-2) suggests that this variant is likely to be tolerated. Variants that disrupt the consensus splice site are a relatively common cause of aberrant splicing (PMID: 17576681, 9536098). In summary, the available evidence is currently insufficient to determine the role of this variant in disease. Therefore, it has been classified as a Variant of Uncertain Significance.

Literature cited by the submitters: PubMed 17576681; PubMed 9536098.

NM_152564.5(VPS13B):c.6865G>A (p.Glu2289Lys)

Gene: VPS13B (vacuolar protein sorting 13 homolog B; plus strand). Cytogenetic location: 8q22.2.
Variant type: single nucleotide variant.
Coding change: c.6865G>A on transcript NM_152564.5 (MANE Select); coding-DNA position 6865, G replaced by A.
Protein change: p.Glu2289Lys; replaces glutamic acid 2289 with lysine.
Molecular consequence: missense variant.
Genome position (GRCh38, 1-based): chr8:99,720,552, G>A. VCF-style: chr8-99720552-G-A. GRCh37 (hg19) VCF-style: chr8-100732780-G-A.
Other names: c.6940G>A, p.Glu2314Lys (NM_017890.5); short protein forms E2289K, E2314K.
Identifiers: ClinVar variation 3699915 (VCV003699915.2).
Genomic context (GRCh38, chr8:99,720,552, plus strand): 5'-AAAAGTGAACAAAGTTCAGATGACCTACGGACAGGTCTATTTCAGTATGTACAGGATGCT[G>A]GTAAGTAGCAACAGACTCAGTATGAGAGTGTCTCTGTGCATGTGGTTGCATTTTAAATGC-3'
Protein context (NP_689777.3, residues 2279-2299): TGLFQYVQDA[Glu2289Lys]SLKLPGVYEV